The following is an entry in ClinVar:

ClinVar aggregate classification (germline): Uncertain significance (1 of 4 stars; one submission).

Allele frequency attached by ClinVar (database versions not stated): TOPMed below 0.00001; gnomAD exomes 0.00001.
gnomAD v4.1: 3 of 1,605,992 alleles (0.00019%); highest among the groups gnomAD compares: Non-Finnish European, 0.00026%; no homozygotes.

Submission:

Labcorp Genetics (formerly Invitae), Labcorp
Classification: Uncertain significance. Last evaluated: 2025-03-17. Review status: criteria provided, single submitter. Criteria: Invitae Variant Classification Sherloc (09022015). Collection method: clinical testing. Allele origin: germline.
Comment: This sequence change replaces alanine, which is neutral and non-polar, with glycine, which is neutral and non-polar, at codon 170 of the INPPL1 protein (p.Ala170Gly). This variant is not present in population databases (gnomAD no frequency). This variant has not been reported in the literature in individuals affected with INPPL1-related conditions. ClinVar contains an entry for this variant (Variation ID: 1516219). An algorithm developed to predict the effect of missense changes on protein structure and function (PolyPhen-2) suggests that this variant is likely to be tolerated. In summary, the available evidence is currently insufficient to determine the role of this variant in disease. Therefore, it has been classified as a Variant of Uncertain Significance.

NM_001567.4(INPPL1):c.509C>G (p.Ala170Gly)

Gene: INPPL1 (inositol polyphosphate phosphatase like 1; plus strand). Cytogenetic location: 11q13.4.
Variant type: single nucleotide variant.
Coding change: c.509C>G on transcript NM_001567.4 (MANE Select); coding-DNA position 509, C replaced by G.
Protein change: p.Ala170Gly; replaces alanine 170 with glycine.
Molecular consequence: missense variant.
Genome position (GRCh38, 1-based): chr11:72,228,838, C>G. VCF-style: chr11-72228838-C-G. GRCh37 (hg19) VCF-style: chr11-71939882-C-G.
Other names: short protein forms A170G.
Identifiers: ClinVar variation 1516219 (VCV001516219.8), dbSNP rs1948749393, ClinGen allele CA381718956.